The following is an entry in ClinVar:

NM_004385.5(VCAN):c.8621C>T (p.Ala2874Val)

Genes: VCAN (versican; plus strand), VCAN-AS1 (VCAN antisense RNA 1; minus strand). Cytogenetic location: 5q14.3.
Variant type: single nucleotide variant.
Coding change: c.8621C>T on transcript NM_004385.5 (MANE Select); coding-DNA position 8621, C replaced by T.
Protein change: p.Ala2874Val; replaces alanine 2874 with valine.
Molecular consequence: missense variant. On other transcripts: intron variant (2).
Genome position (GRCh38, 1-based): chr5:83,541,624, C>T. VCF-style: chr5-83541624-C-T. GRCh37 (hg19) VCF-style: chr5-82837443-C-T.
Other names: c.5660C>T, p.Ala1887Val (NM_001164097.2); c.4004-3913C>T (NM_001164098.2); c.1043-3913C>T (NM_001126336.3); short protein forms A2874V, A1887V.
Identifiers: ClinVar variation 198806 (VCV000198806.41), dbSNP rs147798761, ClinGen allele CA247639.

ClinVar aggregate classification (germline): Conflicting classifications of pathogenicity. Review status: criteria provided, conflicting classifications (1 of 4 stars). 6 submissions from 6 submitters: Uncertain significance (2); Likely benign (2). 2 of the submissions do not count toward it. Last evaluated 2026-01-29.

Allele frequency attached by ClinVar (database versions not stated): ExAC 0.00013; TOPMed 0.00014; gnomAD exomes 0.00015; 1000 Genomes Project 30x 0.00016; 1000 Genomes Project 0.00020; ESP Exome Variant Server 0.00031.
gnomAD v4.1: 241 of 1,613,768 alleles (0.015%); highest among the groups gnomAD compares: East Asian, 0.025%; no homozygotes.

Submissions (7):

Labcorp Genetics (formerly Invitae), Labcorp
Classification: Uncertain significance. Last evaluated: 2026-01-29. Review status: criteria provided, single submitter. Criteria: Invitae Variant Classification Sherloc (09022015). Collection method: clinical testing. Allele origin: germline.
Comment: This sequence change replaces alanine, which is neutral and non-polar, with valine, which is neutral and non-polar, at codon 2874 of the VCAN protein (p.Ala2874Val). This variant is present in population databases (rs147798761, gnomAD 0.04%), and has an allele count higher than expected for a pathogenic variant. This variant has not been reported in the literature in individuals affected with VCAN-related conditions. ClinVar contains an entry for this variant (Variation ID: 198806). An algorithm developed to predict the effect of missense changes on protein structure and function outputs the following: PolyPhen-2: "Benign". The valine amino acid residue is found in multiple mammalian species, which suggests that this missense change does not adversely affect protein function. In summary, the available evidence is currently insufficient to determine the role of this variant in disease. Therefore, it has been classified as a Variant of Uncertain Significance.

Blueprint Genetics
Classification: Likely benign. Last evaluated: 2024-10-22. Review status: criteria provided, single submitter. Criteria: ACMG Guidelines, 2015. Collection method: clinical testing. Allele origin: germline.

CeGaT Center for Human Genetics Tuebingen
Classification: Likely benign. Last evaluated: 2022-08-01. Review status: criteria provided, single submitter. Criteria: CeGaT Center For Human Genetics Tuebingen Variant Classification Criteria Version 2. Collection method: clinical testing. Allele origin: germline. Affected: yes. Observed: 1 variant allele.
Comment: VCAN: BP4

Eurofins Ntd Llc (ga)
Classification: Uncertain significance. Last evaluated: 2015-05-08. Review status: criteria provided, single submitter. Criteria: EGL Classification Definitions 2015. Collection method: clinical testing. Allele origin: germline. Observed: 1 variant allele, 1 heterozygote.

Clinical Genetics DNA and cytogenetics Diagnostics Lab, Erasmus MC, Erasmus Medical Center
Classification: Likely benign. Review status: no assertion criteria provided. Collection method: clinical testing. Allele origin: germline. Affected: yes. Study: VKGL Data-share Consensus. Not counted in ClinVar's aggregate classification.

Clinical Genetics, Academic Medical Center
Classification: Likely benign. Review status: no assertion criteria provided. Collection method: clinical testing. Allele origin: germline. Affected: yes. Study: VKGL Data-share Consensus. Not counted in ClinVar's aggregate classification.

Dr. Peter K. Rogan Lab, Western University
No classification provided (evidence only). Condition: Thyroid cancer, nonmedullary, 1. Review status: no classification provided. Collection method: in vitro. Allele origin: not applicable. Functional consequence: retained intron. Not counted in ClinVar's aggregate classification.